The following is an entry in ClinVar:

ClinVar aggregate classification (germline): Likely benign (0 of 4 stars; one submission).

Conditions:
HUWE1-related disorder. Also called: HUWE1-related condition.

Allele frequency attached by ClinVar (database versions not stated): gnomAD exomes below 0.00001; gnomAD 0.00002; TOPMed 0.00002.
gnomAD v4.1: 5 of 1,207,679 alleles (0.00041%); highest among the groups gnomAD compares: Non-Finnish European, 0.00056%; no homozygotes.

Submission:

PreventionGenetics, part of Exact Sciences
Classification: Likely benign for HUWE1-related condition. Last evaluated: 2023-10-17. Review status: no assertion criteria provided. Collection method: clinical testing. Allele origin: germline.
Comment: This variant is classified as likely benign based on ACMG/AMP sequence variant interpretation guidelines (Richards et al. 2015 PMID: 25741868, with internal and published modifications).

NM_031407.7(HUWE1):c.8190T>C (p.Thr2730=)

Gene: HUWE1 (HECT, UBA and WWE domain containing E3 ubiquitin protein ligase 1; minus strand). Cytogenetic location: Xp11.22.
Variant type: single nucleotide variant.
Coding change: c.8190T>C on transcript NM_031407.7 (MANE Select); coding-DNA position 8190, T replaced by C.
Protein change: p.Thr2730=; no amino-acid change (threonine 2730 retained).
Molecular consequence: synonymous variant.
Genome position (GRCh38, 1-based): chrX:53,557,398, A>G on the plus strand (T>C on the coding strand, the complement: HUWE1 is on the minus strand). VCF-style: chrX-53557398-A-G. GRCh37 (hg19) VCF-style: chrX-53584359-A-G.
Identifiers: ClinVar variation 3056307 (VCV003056307.2), dbSNP rs1177975063, ClinGen allele CA516427904.
Genomic context (GRCh38, chrX:53,557,398, plus strand): 5'-CAACCAATTGATTAGTAAGAAGGGAGAAAGGGAAGGAGAGTTACCTGAGAGATTCTGTTC[A>G]GTGGAGTCATTTGACTTAGATGCAGTACACTGCAAAAAGAAGGGATAGACCAATGTGGGA-3'
Protein context (NP_113584.3, residues 2720-2740): QCTASKSNDS[Thr2730=]EQNLSDGTPM